The following is an entry in ClinVar:

ClinVar aggregate classification (germline): Uncertain significance (1 of 4 stars; one submission).

Submission:

Labcorp Genetics (formerly Invitae), Labcorp
Classification: Uncertain significance. Last evaluated: 2024-04-27. Review status: criteria provided, single submitter. Criteria: Invitae Variant Classification Sherloc (09022015). Collection method: clinical testing. Allele origin: germline.
Comment: This sequence change replaces aspartic acid, which is acidic and polar, with glycine, which is neutral and non-polar, at codon 1419 of the LAMB1 protein (p.Asp1419Gly). This variant is not present in population databases (gnomAD no frequency). This variant has not been reported in the literature in individuals affected with LAMB1-related conditions. An algorithm developed to predict the effect of missense changes on protein structure and function (PolyPhen-2) suggests that this variant is likely to be tolerated. In summary, the available evidence is currently insufficient to determine the role of this variant in disease. Therefore, it has been classified as a Variant of Uncertain Significance.

NM_002291.3(LAMB1):c.4256A>G (p.Asp1419Gly)

Gene: LAMB1 (laminin subunit beta 1; minus strand). Cytogenetic location: 7q31.1.
Variant type: single nucleotide variant.
Coding change: c.4256A>G on transcript NM_002291.3 (MANE Select); coding-DNA position 4256, A replaced by G.
Protein change: p.Asp1419Gly; replaces aspartic acid 1419 with glycine.
Molecular consequence: missense variant.
Genome position (GRCh38, 1-based): chr7:107,932,310, T>C on the plus strand (A>G on the coding strand, the complement: LAMB1 is on the minus strand). VCF-style: chr7-107932310-T-C. GRCh37 (hg19) VCF-style: chr7-107572755-T-C.
Other names: short protein forms D1419G.
Identifiers: ClinVar variation 3682032 (VCV003682032.2).